The following is an entry in ClinVar:

ClinVar aggregate classification (germline): Pathogenic (1 of 4 stars; one submission).

Submission:

Labcorp Genetics (formerly Invitae), Labcorp
Classification: Pathogenic. Last evaluated: 2024-12-02. Review status: criteria provided, single submitter. Criteria: Invitae Variant Classification Sherloc (09022015). Collection method: clinical testing. Allele origin: germline.
Comment: This sequence change creates a premature translational stop signal (p.Gln63*) in the GPAA1 gene. It is expected to result in an absent or disrupted protein product. Loss-of-function variants in GPAA1 are known to be pathogenic (PMID: 29100095). This variant is not present in population databases (gnomAD no frequency). This variant has not been reported in the literature in individuals affected with GPAA1-related conditions. For these reasons, this variant has been classified as Pathogenic.

Literature cited by the submitters: PubMed 29100095.

NM_003801.4(GPAA1):c.187C>T (p.Gln63Ter)

Gene: GPAA1 (glycosylphosphatidylinositol anchor attachment 1; plus strand). Cytogenetic location: 8q24.3.
Variant type: single nucleotide variant.
Coding change: c.187C>T on transcript NM_003801.4 (MANE Select); coding-DNA position 187, C replaced by T.
Protein change: p.Gln63Ter; replaces glutamine 63 with a stop codon.
Molecular consequence: nonsense.
Genome position (GRCh38, 1-based): chr8:144,083,236, C>T. VCF-style: chr8-144083236-C-T. GRCh37 (hg19) VCF-style: chr8-145138139-C-T.
Other names: short protein forms Q63*.
Identifiers: ClinVar variation 3672465 (VCV003672465.2).